The following is an entry in ClinVar:

NM_014028.4(OSTM1):c.737A>G (p.Asn246Ser)

Gene: OSTM1 (osteoclastogenesis associated transmembrane protein 1; minus strand). Cytogenetic location: 6q21.
Variant type: single nucleotide variant.
Coding change: c.737A>G on transcript NM_014028.4 (MANE Select); coding-DNA position 737, A replaced by G.
Protein change: p.Asn246Ser; replaces asparagine 246 with serine.
Molecular consequence: missense variant.
Genome position (GRCh38, 1-based): chr6:108,051,077, T>C on the plus strand (A>G on the coding strand, the complement: OSTM1 is on the minus strand). VCF-style: chr6-108051077-T-C. GRCh37 (hg19) VCF-style: chr6-108372281-T-C.
Other names: c.737A>G (NM_014028.3); short protein forms N246S.
Identifiers: ClinVar variation 1493207 (VCV001493207.4), dbSNP rs1772065998, ClinGen allele CA365327542.

ClinVar aggregate classification (germline): Uncertain significance. Review status: criteria provided, multiple submitters, no conflicts (2 of 4 stars). 2 submissions from 2 submitters: Uncertain significance (2). Last evaluated 2024-12-11.

Conditions:
Inborn genetic diseases. Identifiers: MedGen C0950123, MeSH D030342.

Allele frequency attached by ClinVar (database versions not stated): gnomAD exomes below 0.00001; gnomAD 0.00001; TOPMed 0.00001.
gnomAD v4.1: 7 of 1,613,808 alleles (0.00043%); highest among the groups gnomAD compares: Non-Finnish European, 0.00051%; no homozygotes.

Submissions (2):

Ambry Genetics
Classification: Uncertain significance for Inborn genetic diseases. Last evaluated: 2024-12-11. Review status: criteria provided, single submitter. Criteria: Ambry Variant Classification Scheme 2023. Collection method: clinical testing. Allele origin: germline.

Labcorp Genetics (formerly Invitae), Labcorp
Classification: Uncertain significance. Last evaluated: 2021-09-29. Review status: criteria provided, single submitter. Criteria: Invitae Variant Classification Sherloc (09022015). Collection method: clinical testing. Allele origin: germline.
Comment: This sequence change replaces asparagine with serine at codon 246 of the OSTM1 protein (p.Asn246Ser). The asparagine residue is weakly conserved and there is a small physicochemical difference between asparagine and serine. This variant is not present in population databases (ExAC no frequency). This variant has not been reported in the literature in individuals affected with OSTM1-related conditions. Algorithms developed to predict the effect of missense changes on protein structure and function output the following: SIFT: "Tolerated"; PolyPhen-2: "Benign"; Align-GVGD: "Class C0". The serine amino acid residue is found in multiple mammalian species, which suggests that this missense change does not adversely affect protein function. Algorithms developed to predict the effect of sequence changes on RNA splicing suggest that this variant may create or strengthen a splice site. In summary, the available evidence is currently insufficient to determine the role of this variant in disease. Therefore, it has been classified as a Variant of Uncertain Significance.